The following is an entry in ClinVar:

ClinVar aggregate classification (germline): Uncertain significance (1 of 4 stars; one submission).

Submission:

Labcorp Genetics (formerly Invitae), Labcorp
Classification: Uncertain significance. Last evaluated: 2024-03-05. Review status: criteria provided, single submitter. Criteria: Invitae Variant Classification Sherloc (09022015). Collection method: clinical testing. Allele origin: germline.
Comment: This sequence change replaces valine, which is neutral and non-polar, with phenylalanine, which is neutral and non-polar, at codon 153 of the HYOU1 protein (p.Val153Phe). This variant is not present in population databases (gnomAD no frequency). This variant has not been reported in the literature in individuals affected with HYOU1-related conditions. An algorithm developed to predict the effect of missense changes on protein structure and function (PolyPhen-2) suggests that this variant is likely to be tolerated. In summary, the available evidence is currently insufficient to determine the role of this variant in disease. Therefore, it has been classified as a Variant of Uncertain Significance.

NM_006389.5(HYOU1):c.457G>T (p.Val153Phe)

Gene: HYOU1 (hypoxia up-regulated 1; minus strand). Cytogenetic location: 11q23.3.
Variant type: single nucleotide variant.
Coding change: c.457G>T on transcript NM_006389.5 (MANE Select); coding-DNA position 457, G replaced by T.
Protein change: p.Val153Phe; replaces valine 153 with phenylalanine.
Molecular consequence: missense variant.
Genome position (GRCh38, 1-based): chr11:119,055,023, C>A on the plus strand (G>T on the coding strand, the complement: HYOU1 is on the minus strand). VCF-style: chr11-119055023-C-A. GRCh37 (hg19) VCF-style: chr11-118925735-C-A.
Other names: c.457G>T, p.Val153Phe (NM_001130991.3, NM_001411041.1); short protein forms V153F.
Identifiers: ClinVar variation 3644531 (VCV003644531.2).
Genomic context (GRCh38, chr11:119,055,023, plus strand): 5'-GGCCCCACCTTGACCACTCACCTGCAAAATCTTCAGCTAGAGAACGAGAATAATTGAGAA[C>A]CATGCCCAACACTTCCTCAGGTGAGAACTGCAGCTGCCTGAGGGGAAGGAAGGTAGTTGG-3'
Protein context (NP_006380.1, residues 143-163): QFSPEEVLGM[Val153Phe]LNYSRSLAED